The following is an entry in ClinVar:

NM_001853.4(COL9A3):c.278C>T (p.Pro93Leu)

Gene: COL9A3 (collagen type IX alpha 3 chain; plus strand). Cytogenetic location: 20q13.33.
Variant type: single nucleotide variant.
Coding change: c.278C>T on transcript NM_001853.4 (MANE Select); coding-DNA position 278, C replaced by T.
Protein change: p.Pro93Leu; replaces proline 93 with leucine.
Molecular consequence: missense variant.
Genome position (GRCh38, 1-based): chr20:62,819,951, C>T. VCF-style: chr20-62819951-C-T. GRCh37 (hg19) VCF-style: chr20-61451303-C-T.
Other names: c.278C>T (NM_001853.3); short protein forms P93L.
Identifiers: ClinVar variation 1436324 (VCV001436324.10), dbSNP rs370901644, ClinGen allele CA9949127.

ClinVar aggregate classification (germline): Uncertain significance. Review status: criteria provided, multiple submitters, no conflicts (2 of 4 stars). 2 submissions from 2 submitters: Uncertain significance (2). Last evaluated 2026-01-28.

Conditions:
Inborn genetic diseases. Identifiers: MedGen C0950123, MeSH D030342.

Allele frequency attached by ClinVar (database versions not stated): ESP Exome Variant Server 0.00008.
gnomAD v4.1: 18 of 1,612,788 alleles (0.0011%); highest among the groups gnomAD compares: African/African-American, 0.023%; no homozygotes.

Submissions (2):

Labcorp Genetics (formerly Invitae), Labcorp
Classification: Uncertain significance. Last evaluated: 2026-01-28. Review status: criteria provided, single submitter. Criteria: Invitae Variant Classification Sherloc (09022015). Collection method: clinical testing. Allele origin: germline.
Comment: This sequence change replaces proline, which is neutral and non-polar, with leucine, which is neutral and non-polar, at codon 93 of the COL9A3 protein (p.Pro93Leu). This variant is present in population databases (rs370901644, gnomAD 0.03%). This variant has not been reported in the literature in individuals affected with COL9A3-related conditions. ClinVar contains an entry for this variant (Variation ID: 1436324). Invitae Evidence Modeling of protein sequence and biophysical properties (such as structural, functional, and spatial information, amino acid conservation, physicochemical variation, residue mobility, and thermodynamic stability) indicates that this missense variant is not expected to disrupt COL9A3 protein function with a negative predictive value of 95%. In summary, the available evidence is currently insufficient to determine the role of this variant in disease. Therefore, it has been classified as a Variant of Uncertain Significance.

Ambry Genetics
Classification: Uncertain significance for Inborn genetic diseases. Last evaluated: 2025-08-31. Review status: criteria provided, single submitter. Criteria: Ambry Variant Classification Scheme 2023. Collection method: clinical testing. Allele origin: germline.